The following is an entry in ClinVar:

ClinVar aggregate classification (germline): Uncertain significance (1 of 4 stars; one submission).

Conditions:
Familial intrahepatic cholestasis. Identifiers: Orphanet 284385, MedGen CN296401, MONDO:0017290.

gnomAD v4.1: 2 of 1,611,144 alleles (0.00012%); highest among the groups gnomAD compares: Non-Finnish European, 0.00017%; no homozygotes.

Submission:

Genomenon, Inc
Classification: Uncertain significance for Familial intrahepatic cholestasis. Last evaluated: 2026-04-14. Review status: criteria provided, single submitter. Criteria: Genomenon Sequence Variant Interpretation Standards - Updated. Collection method: curation. Allele origin: germline. Affected: yes.
Comment: ATP8B1 p.Asp1219Gly (c.3656A>G) is a missense variant that changes the amino acid at residue 1219 from Aspartic acid to Glycine. This variant has been observed in at least one proband with features of ATP8B1-deficiency (PMID:34828443). It is absent or not present at a significant frequency in gnomAD. In silico models predict that this variant is not damaging. In conclusion, we classify ATP8B1 p.Asp1219Gly (c.3656A>G) as a variant of uncertain significance.

Literature cited by the submitters: PubMed 34828443.

NM_001374385.1(ATP8B1):c.3656A>G (p.Asp1219Gly)

Genes: ATP8B1 (ATPase phospholipid transporting 8B1; minus strand), ATP8B1-AS1 (ATP8B1 antisense RNA 1; plus strand). Cytogenetic location: 18q21.31.
Variant type: single nucleotide variant.
Coding change: c.3656A>G on transcript NM_001374385.1 (MANE Select); coding-DNA position 3656, A replaced by G.
Protein change: p.Asp1219Gly; replaces aspartic acid 1219 with glycine.
Molecular consequence: missense variant.
Genome position (GRCh38, 1-based): chr18:57,648,588, T>C on the plus strand (A>G on the coding strand, the complement: ATP8B1 is on the minus strand). VCF-style: chr18-57648588-T-C. GRCh37 (hg19) VCF-style: chr18-55315820-T-C.
Other names: c.3506A>G, p.Asp1169Gly (NM_001374386.1); c.3656A>G, p.Asp1219Gly (NM_005603.6); short protein forms D1169G, D1219G.
Identifiers: ClinVar variation 4846674 (VCV004846674.1).